The following is an entry in ClinVar:

ClinVar aggregate classification (germline): Benign (1 of 4 stars; one submission).

Conditions:
Mendelian susceptibility to mycobacterial diseases due to partial STAT1 deficiency. Also called: IMMUNODEFICIENCY 31A, MYCOBACTERIOSIS, AUTOSOMAL DOMINANT; STAT1 DEFICIENCY, AUTOSOMAL DOMINANT; Immunodeficiency 31a. Identifiers: Orphanet 319595, MedGen C4013950, MONDO:0013956, OMIM 614892.

Allele frequency attached by ClinVar (database versions not stated): gnomAD 0.01621 and 0.01740; TOPMed 0.01832; 1000 Genomes Project 0.02077; 1000 Genomes Project 30x 0.02217.

Submissions (2):

Illumina Laboratory Services, Illumina
Classification: Benign for Mendelian susceptibility to mycobacterial diseases due to partial STAT1 deficiency. Last evaluated: 2018-01-13. Review status: criteria provided, single submitter. Criteria: ICSL Variant Classification Criteria 13 December 2019. Collection method: clinical testing. Allele origin: germline.
Comment: This variant was observed in the ICSL laboratory as part of a predisposition screen in an ostensibly healthy population. It had not been previously curated by ICSL or reported in the Human Gene Mutation Database (HGMD: prior to June 1st, 2018), and was therefore a candidate for classification through an automated scoring system. Utilizing variant allele frequency, disease prevalence and penetrance estimates, and inheritance mode, an automated score was calculated to assess if this variant is too frequent to cause the disease. Based on the score and internal cut-off values, a variant classified as benign is not then subjected to further curation. The score for this variant resulted in a classification of benign for this disease.

Dr. Peter K. Rogan Lab, Western University
No classification provided (evidence only). Condition: Ovarian serous cystadenocarcinoma. Review status: no classification provided. Collection method: in vitro. Allele origin: not applicable. Functional consequence: retained intron. Not counted in ClinVar's aggregate classification.

NM_007315.4(STAT1):c.*942A>G

Gene: STAT1 (signal transducer and activator of transcription 1; minus strand). Cytogenetic location: 2q32.2.
Variant type: single nucleotide variant.
Coding change: c.*942A>G on transcript NM_007315.4 (MANE Select); 942 bases downstream of the stop codon, A replaced by G.
Molecular consequence: 3 prime UTR variant.
Genome position (GRCh38, 1-based): chr2:190,969,761, T>C on the plus strand (A>G on the coding strand, the complement: STAT1 is on the minus strand). VCF-style: chr2-190969761-T-C. GRCh37 (hg19) VCF-style: chr2-191834487-T-C.
Other names: NC_000002.11:g.191834487T>C; c.*942A>G (NM_001384880.1, NM_001384881.1, NM_001384882.1 and 9 more transcripts).
Identifiers: ClinVar variation 333252 (VCV000333252.6), dbSNP rs41363648, ClinGen allele CA10612263.